The following is an entry in ClinVar:

ClinVar aggregate classification (germline): Pathogenic (1 of 4 stars; one submission).

Conditions:
Developmental and epileptic encephalopathy, 1 (DEE1). Also called: X-linked infantile spasms; West's syndrome; Tonic spasms with clustering, arrest of psychomotor development and hypsarrhythmia on EEG; X-Linked Infantile Spasm Syndrome; OHTAHARA SYNDROME, X-LINKED; INFANTILE SPASM SYNDROME, X-LINKED 1. Identifiers: MedGen C3463992, MONDO:0010632, OMIM 308350. Disease mechanism: loss of function.
Intellectual disability, X-linked, with or without seizures, ARX-related. Also called: MENTAL RETARDATION, X-LINKED 29; MENTAL RETARDATION, X-LINKED 32; MENTAL RETARDATION, X-LINKED 33; MENTAL RETARDATION, X-LINKED 38; MENTAL RETARDATION, X-LINKED 43; MENTAL RETARDATION, X-LINKED 76. Identifiers: Orphanet 777, MedGen C0796244, MONDO:0010317, OMIM 300419.

Submission:

Labcorp Genetics (formerly Invitae), Labcorp
Classification: Pathogenic for Developmental and epileptic encephalopathy, 1; Intellectual disability, X-linked, with or without seizures, ARX-related. Last evaluated: 2022-10-13. Review status: criteria provided, single submitter. Criteria: Invitae Variant Classification Sherloc (09022015). Collection method: clinical testing. Allele origin: germline.
Comment: For these reasons, this variant has been classified as Pathogenic. This variant results in expansion of a poly-alanine tract in ARX. Expansions of the alanine tracts in ARX have been observed in individuals with ARX-related conditions (PMID: 11889467, 17664401, 23246292). ClinVar contains an entry for this variant (Variation ID: 473011). This variant is also known as c.423_455dup33, c.424_453dup, and dup33. This variant has been observed in individual(s) with X-linked intellectual disability and neurological disorders (PMID: 19507262). It has also been observed to segregate with disease in related individuals. The frequency data for this variant in the population databases is considered unreliable, as metrics indicate insufficient coverage at this position in the gnomAD database. This variant, c.426_458dup, results in the insertion of 11 amino acid(s) of the ARX protein (p.Gly143_Ala153dup), but otherwise preserves the integrity of the reading frame.

Literature cited by the submitters: PubMed 11889467; PubMed 17664401; PubMed 23246292; PubMed 19507262.

NM_139058.3(ARX):c.426_458dup (p.Gly143_Ala153dup)

Genes: ARX (aristaless related homeobox; minus strand), LOC109610631 (aristaless related homeobox polyalanine expansion region; plus strand). Cytogenetic location: Xp21.3.
Variant type: Duplication.
Coding change: c.426_458dup on transcript NM_139058.3 (MANE Select); coding-DNA positions 426 to 458, 33 bases duplicated.
Protein change: p.Gly143_Ala153dup.
Molecular consequence: inframe insertion.
Genome position (GRCh38, 1-based): chrX:25,013,537-25,013,569, 33 bases duplicated; duplicating any 33 consecutive bases within chrX:25,013,537-25,013,572 gives the same sequence; the c. name uses the placement nearest the transcript's 3' end. GRCh37 (hg19): chrX:25,031,657-25,031,689.
Identifiers: ClinVar variation 473011 (VCV000473011.11), dbSNP rs1556056154, ClinGen allele CA658656855.